The following is an entry in ClinVar:

ClinVar aggregate classification (germline): Conflicting classifications of pathogenicity. Review status: criteria provided, conflicting classifications (1 of 4 stars). 3 submissions from 3 submitters: Uncertain significance (1); Benign (1); Likely benign (1). Last evaluated 2026-02-13.

Conditions:
Kabuki syndrome 1 (KABUK1). Also called: KMT2D-Related Kabuki Syndrome. Identifiers: Orphanet 2322, MedGen CN030661, MONDO:0007843, OMIM 147920.
Choanal atresia-athelia-hypothyroidism-delayed puberty-short stature syndrome (BCAHH). Also called: BRANCHIAL ARCH ABNORMALITIES, CHOANAL ATRESIA, ATHELIA, HEARING LOSS, AND HYPOTHYROIDISM SYNDROME. Identifiers: Orphanet 589856, MedGen C5680310, MONDO:0035651, OMIM 620186.
KMT2D-related disorder. Also called: KMT2D-Related Disorders.
Kabuki syndrome. Also called: Kabuki make-up syndrome; NIIKAWA-KUROKI SYNDROME. Identifiers: Orphanet 2322, MedGen C0796004, MONDO:0016512.

Allele frequency attached by ClinVar (database versions not stated): ExAC 0.00002; TOPMed 0.00002; gnomAD 0.00001; gnomAD exomes 0.00001.
gnomAD v4.1: 23 of 1,600,580 alleles (0.0014%); highest among the groups gnomAD compares: African/African-American, 0.0054%; no homozygotes.

Submissions (3):

PreventionGenetics, part of Exact Sciences
Classification: Uncertain significance for KMT2D-related condition. Last evaluated: 2026-02-13. Review status: criteria provided, single submitter. Criteria: ACMG Guidelines, 2015. Collection method: clinical testing. Allele origin: germline.
Comment: The KMT2D c.757G>A variant is predicted to result in the amino acid substitution p.Gly253Arg. To our knowledge, this variant has not been reported in the literature. This variant is reported in 0.0076% of alleles in individuals of African descent in gnomAD. At this time, the clinical significance of this variant is uncertain due to the absence of conclusive functional and genetic evidence.

Labcorp Genetics (formerly Invitae), Labcorp
Classification: Benign for Kabuki syndrome. Last evaluated: 2025-08-17. Review status: criteria provided, single submitter. Criteria: Invitae Variant Classification Sherloc (09022015). Collection method: clinical testing. Allele origin: germline.

Fulgent Genetics
Classification: Likely benign for Kabuki syndrome 1; Choanal atresia-athelia-hypothyroidism-delayed puberty-short stature syndrome. Last evaluated: 2024-01-24. Review status: criteria provided, single submitter. Criteria: ACMG Guidelines, 2015. Collection method: clinical testing. Allele origin: germline.

NM_003482.4(KMT2D):c.757G>A (p.Gly253Arg)

Gene: KMT2D (lysine methyltransferase 2D; minus strand). Cytogenetic location: 12q13.12.
Variant type: single nucleotide variant.
Coding change: c.757G>A on transcript NM_003482.4 (MANE Select); coding-DNA position 757, G replaced by A.
Protein change: p.Gly253Arg; replaces glycine 253 with arginine.
Molecular consequence: missense variant.
Genome position (GRCh38, 1-based): chr12:49,053,558, C>T on the plus strand (G>A on the coding strand, the complement: KMT2D is on the minus strand). VCF-style: chr12-49053558-C-T. GRCh37 (hg19) VCF-style: chr12-49447341-C-T.
Other names: c.757G>A (NM_003482.3); short protein forms G253R.
Identifiers: ClinVar variation 1365256 (VCV001365256.10), dbSNP rs775185224, ClinGen allele CA6548661.
Genomic context (GRCh38, chr12:49,053,558, plus strand): 5'-ATTCAGGGCACTGCCAGCCAGCACGTTTGCGGGCAGTCAGAGCAGTGTCCAGGCAGGCCC[C>T]GTGATAGTGATGCCCACAGCTGGTACAGAAGAACAGGTCACACAACTCCCCTGGCCCCTC-3'
Protein context (NP_003473.3, residues 243-263): FCTSCGHHYH[Gly253Arg]ACLDTALTAR